The following is an entry in ClinVar:

ClinVar aggregate classification (germline): Pathogenic (1 of 4 stars; one submission).

Conditions:
Ataxia-telangiectasia syndrome (AT). Also called: LOUIS-BAR SYNDROME; Ataxia-telangiectasia, complementation group D; AT, COMPLEMENTATION GROUP C; Cerebello-oculocutaneous telangiectasia; Immunodeficiency with ataxia telangiectasia; ATAXIA-TELANGIECTASIA, COMPLEMENTATION GROUP A. Identifiers: Orphanet 100, MedGen C0004135, MONDO:0008840, OMIM 208900.

Submission:

Labcorp Genetics (formerly Invitae), Labcorp
Classification: Pathogenic for Ataxia-telangiectasia syndrome. Last evaluated: 2023-01-02. Review status: criteria provided, single submitter. Criteria: Invitae Variant Classification Sherloc (09022015). Collection method: clinical testing. Allele origin: germline.
Comment: For these reasons, this variant has been classified as Pathogenic. ClinVar contains an entry for this variant (Variation ID: 1072130). This variant has not been reported in the literature in individuals affected with ATM-related conditions. This variant is not present in population databases (gnomAD no frequency). This sequence change creates a premature translational stop signal (p.Glu257*) in the ATM gene. It is expected to result in an absent or disrupted protein product. Loss-of-function variants in ATM are known to be pathogenic (PMID: 23807571, 25614872).

Literature cited by the submitters: PubMed 23807571; PubMed 25614872.

NM_000051.4(ATM):c.769G>T (p.Glu257Ter)

Gene: ATM (ATM serine/threonine kinase; plus strand). Cytogenetic location: 11q22.3.
Variant type: single nucleotide variant.
Coding change: c.769G>T on transcript NM_000051.4 (MANE Select); coding-DNA position 769, G replaced by T.
Protein change: p.Glu257Ter; replaces glutamic acid 257 with a stop codon.
Molecular consequence: nonsense.
Genome position (GRCh38, 1-based): chr11:108,244,894, G>T. VCF-style: chr11-108244894-G-T. GRCh37 (hg19) VCF-style: chr11-108115621-G-T.
Other names: c.769G>T, p.Glu257Ter (NM_001351834.2); short protein forms E257*.
Identifiers: ClinVar variation 1072130 (VCV001072130.7), dbSNP rs1565371596, ClinGen allele CA382529308.